The following is an entry in ClinVar:

NM_000632.4(ITGAM):c.1505G>A (p.Arg502Gln)

Gene: ITGAM (integrin subunit alpha M; plus strand). Cytogenetic location: 16p11.2.
Variant type: single nucleotide variant.
Coding change: c.1505G>A on transcript NM_000632.4 (MANE Select); coding-DNA position 1505, G replaced by A.
Protein change: p.Arg502Gln; replaces arginine 502 with glutamine.
Molecular consequence: missense variant.
Genome position (GRCh38, 1-based): chr16:31,297,752, G>A. VCF-style: chr16-31297752-G-A. GRCh37 (hg19) VCF-style: chr16-31309073-G-A.
Other names: c.1508G>A, p.Arg503Gln (NM_001145808.2); short protein forms R502Q, R503Q.
Identifiers: ClinVar variation 2193178 (VCV002193178.4), dbSNP rs79206973, ClinGen allele CA8025593.

ClinVar aggregate classification (germline): Uncertain significance (1 of 4 stars; one submission).

Allele frequency attached by ClinVar (database versions not stated): ExAC 0.00005; ESP Exome Variant Server 0.00008; 1000 Genomes Project 30x 0.00016; 1000 Genomes Project 0.00020.
gnomAD v4.1: 50 of 1,595,776 alleles (0.0031%); highest among the groups gnomAD compares: Non-Finnish European, 0.004%; no homozygotes.

Submission:

Labcorp Genetics (formerly Invitae), Labcorp
Classification: Uncertain significance. Last evaluated: 2025-06-10. Review status: criteria provided, single submitter. Criteria: Invitae Variant Classification Sherloc (09022015). Collection method: clinical testing. Allele origin: germline.
Comment: This sequence change replaces arginine, which is basic and polar, with glutamine, which is neutral and polar, at codon 502 of the ITGAM protein (p.Arg502Gln). This variant is present in population databases (rs79206973, gnomAD 0.007%). This variant has not been reported in the literature in individuals affected with ITGAM-related conditions. ClinVar contains an entry for this variant (Variation ID: 2193178). An algorithm developed to predict the effect of missense changes on protein structure and function outputs the following: PolyPhen-2: "Benign". The glutamine amino acid residue is found in multiple mammalian species, which suggests that this missense change does not adversely affect protein function. In summary, the available evidence is currently insufficient to determine the role of this variant in disease. Therefore, it has been classified as a Variant of Uncertain Significance.